The following is an entry in ClinVar:

NM_025179.4(PLXNA2):c.4221GCT[1] (p.Leu1409del)

Gene: PLXNA2 (plexin A2; minus strand). Cytogenetic location: 1q32.2.
Variant type: Microsatellite.
Coding change: c.4221GCT[1] on transcript NM_025179.4 (MANE Select); one copy of the 3-base unit GCT starting at c.4221; the reference has two copies in a row; one copy, 3 bases deleted.
Protein change: p.Leu1409del; deletes leucine 1409.
Molecular consequence: inframe deletion.
Genome position (GRCh38, 1-based): chr1:208,042,158-208,042,160, AGC deleted on the plus strand (GCT on the coding strand, the reverse complement: PLXNA2 is on the minus strand); deleting any 3 consecutive bases within chr1:208,042,158-208,042,163 gives the same sequence; the position shown is the placement nearest the transcript's 3' end. VCF-style (leftmost placement, unchanged base first): chr1-208042157-GAGC-G. GRCh37 (hg19) VCF-style: chr1-208215502-GAGC-G.
Other names: short protein forms L1409del.
Identifiers: ClinVar variation 3349504 (VCV003349504.1).

ClinVar aggregate classification (germline): Uncertain significance (0 of 4 stars; one submission).

Conditions:
PLXNA2-related disorder. Also called: PLXNA2-related condition.

Submission:

PreventionGenetics, part of Exact Sciences
Classification: Uncertain significance for PLXNA2-related condition. Last evaluated: 2024-01-11. Review status: no assertion criteria provided. Collection method: clinical testing. Allele origin: germline.
Comment: The PLXNA2 c.4224_4226delGCT variant is predicted to result in an in-frame deletion (p.Leu1409del). To our knowledge, this variant has not been reported in the literature or in a large population database, indicating this variant is rare. At this time, the clinical significance of this variant is uncertain due to the absence of conclusive functional and genetic evidence.